The following is an entry in ClinVar:

ClinVar aggregate classification (germline): Uncertain significance (1 of 4 stars; one submission).

Conditions:
Ataxia-telangiectasia syndrome (AT). Also called: Ataxia-telangiectasia, complementation group D; AT, COMPLEMENTATION GROUP C; ATAXIA-TELANGIECTASIA, COMPLEMENTATION GROUP A; ATAXIA-TELANGIECTASIA, FRESNO VARIANT; Ataxia-telangiectasia; Ataxia telangiectasia (A-T). Identifiers: Orphanet 100, MedGen C0004135, MONDO:0008840, OMIM 208900.

Submission:

Labcorp Genetics (formerly Invitae), Labcorp
Classification: Uncertain significance for Ataxia-telangiectasia syndrome. Last evaluated: 2023-11-10. Review status: criteria provided, single submitter. Criteria: Invitae Variant Classification Sherloc (09022015). Collection method: clinical testing. Allele origin: germline.
Comment: This sequence change replaces valine, which is neutral and non-polar, with phenylalanine, which is neutral and non-polar, at codon 2664 of the ATM protein (p.Val2664Phe). This variant is not present in population databases (gnomAD no frequency). This variant has not been reported in the literature in individuals affected with ATM-related conditions. ClinVar contains an entry for this variant (Variation ID: 956144). An algorithm developed to predict the effect of missense changes on protein structure and function (PolyPhen-2) suggests that this variant is likely to be tolerated. In summary, the available evidence is currently insufficient to determine the role of this variant in disease. Therefore, it has been classified as a Variant of Uncertain Significance.

NM_000051.4(ATM):c.7990G>T (p.Val2664Phe)

Genes: C11orf65 (chromosome 11 open reading frame 65; minus strand), ATM (ATM serine/threonine kinase; plus strand). Cytogenetic location: 11q22.3.
Variant type: single nucleotide variant.
Coding change: c.7990G>T on transcript NM_000051.4 (MANE Select); coding-DNA position 7990, G replaced by T.
Protein change: p.Val2664Phe; replaces valine 2664 with phenylalanine.
Molecular consequence: missense variant. On other transcripts: intron variant (2).
Genome position (GRCh38, 1-based): chr11:108,333,948, G>T. VCF-style: chr11-108333948-G-T. GRCh37 (hg19) VCF-style: chr11-108204675-G-T.
Other names: c.7990G>T, p.Val2664Phe (NM_001351834.2); c.641-24877C>A (NM_001330368.2); c.*38+1272C>A (NM_001351110.2); short protein forms V2664F.
Identifiers: ClinVar variation 956144 (VCV000956144.10), dbSNP rs2086554329, ClinGen allele CA382561777.